The following is an entry in ClinVar:

NM_058179.4(PSAT1):c.740G>C (p.Ser247Thr)

Gene: PSAT1 (phosphoserine aminotransferase 1; plus strand). Cytogenetic location: 9q21.2.
Variant type: single nucleotide variant.
Coding change: c.740G>C on transcript NM_058179.4 (MANE Select); coding-DNA position 740, G replaced by C.
Protein change: p.Ser247Thr; replaces serine 247 with threonine.
Molecular consequence: missense variant.
Genome position (GRCh38, 1-based): chr9:78,308,583, G>C. VCF-style: chr9-78308583-G-C. GRCh37 (hg19) VCF-style: chr9-80923499-G-C.
Other names: c.740G>C, p.Ser247Thr (NM_021154.5); short protein forms S247T.
Identifiers: ClinVar variation 2576963 (VCV002576963.3), dbSNP rs2489650770, ClinGen allele CA373874559.

ClinVar aggregate classification (germline): Pathogenic. Review status: criteria provided, single submitter (1 of 4 stars). 2 submissions from 2 submitters: Pathogenic (1). 1 of the submissions does not count toward it. Last evaluated 2026-07-28.

Conditions:
PSAT deficiency. Identifiers: Orphanet 284417, MedGen C1970253, MONDO:0012596, OMIM 610992.
Neu-Laxova syndrome 2. Identifiers: Orphanet 2671, Orphanet 583602, MedGen C4015019, MONDO:0014466, OMIM 616038.

gnomAD v4.1: 2 of 1,613,978 alleles (0.00012%); highest among the groups gnomAD compares: Non-Finnish European, 0.00017%; no homozygotes.

Submissions (2):

Department of Medical Genetics, Ordu University Medical School Training and Research Hospital
Classification: Pathogenic for Phosphoserine aminotransferase deficiency. Last evaluated: 2026-07-28. Review status: criteria provided, single submitter. Criteria: ACMG Guidelines, 2015. Collection method: clinical testing. Allele origin: maternal. Inheritance: Autosomal recessive inheritance. Affected: yes. Observed: 1 variant allele, 1 compound heterozygote.
Comment: Missense variant, p.Ser247Thr. Extremely rare in gnomAD v4 (2/1,461,768 alleles, no homozygotes; PM2). Previously reported in ClinVar as likely pathogenic (VCV002576963).

Istanbul Faculty of Medicine, Istanbul University
Classification: Likely pathogenic for Neu-Laxova syndrome 2. Last evaluated: 2022-01-10. Review status: no assertion criteria provided. Collection method: clinical testing. Allele origin: germline. Affected: yes. Observed: 1 variant allele. Not counted in ClinVar's aggregate classification.